The following is an entry in ClinVar:

NM_003673.4(TCAP):c.496A>G (p.Arg166Gly)

Gene: TCAP (titin-cap; plus strand). Cytogenetic location: 17q12.
Variant type: single nucleotide variant.
Coding change: c.496A>G on transcript NM_003673.4 (MANE Select); coding-DNA position 496, A replaced by G.
Protein change: p.Arg166Gly; replaces arginine 166 with glycine.
Molecular consequence: missense variant.
Genome position (GRCh38, 1-based): chr17:39,666,101, A>G. VCF-style: chr17-39666101-A-G. GRCh37 (hg19) VCF-style: chr17-37822354-A-G.
Other names: short protein forms R166G.
Identifiers: ClinVar variation 1433608 (VCV001433608.10), dbSNP rs1321654718, ClinGen allele CA399306108.

ClinVar aggregate classification (germline): Uncertain significance (1 of 4 stars; one submission).

Conditions:
Hypertrophic cardiomyopathy 25 (CMH25). Also called: CARDIOMYOPATHY, FAMILIAL HYPERTROPHIC, 25. Identifiers: MedGen C4225408, MONDO:0011843, OMIM 607487.
Primary familial hypertrophic cardiomyopathy (HCM). Identifiers: Orphanet 99739, MedGen C0949658, MeSH D024741, MONDO:0024573. Inheritance: Various modes of inheritance.

Allele frequency attached by ClinVar (database versions not stated): TOPMed below 0.00001; gnomAD 0.00001.
gnomAD v4.1: 1 of 1,599,914 alleles (0.000063%); highest among the groups gnomAD compares: African/African-American, 0.0013%; no homozygotes.

Submission:

Labcorp Genetics (formerly Invitae), Labcorp
Classification: Uncertain significance for Hypertrophic cardiomyopathy 25; Primary familial hypertrophic cardiomyopathy. Last evaluated: 2022-08-15. Review status: criteria provided, single submitter. Criteria: Invitae Variant Classification Sherloc (09022015). Collection method: clinical testing. Allele origin: germline.
Comment: In summary, the available evidence is currently insufficient to determine the role of this variant in disease. Therefore, it has been classified as a Variant of Uncertain Significance. Algorithms developed to predict the effect of missense changes on protein structure and function (SIFT, PolyPhen-2, Align-GVGD) all suggest that this variant is likely to be disruptive. ClinVar contains an entry for this variant (Variation ID: 1433608). This variant has not been reported in the literature in individuals affected with TCAP-related conditions. This variant is not present in population databases (gnomAD no frequency). This sequence change replaces arginine, which is basic and polar, with glycine, which is neutral and non-polar, at codon 166 of the TCAP protein (p.Arg166Gly).